The following is an entry in ClinVar:

ClinVar aggregate classification (germline): Conflicting classifications of pathogenicity. Review status: criteria provided, conflicting classifications (1 of 4 stars). 2 submissions from 2 submitters: Uncertain significance (1); Likely benign (1). Last evaluated 2023-01-11.

Conditions:
MEGF10-related myopathy (CMYO10A). Also called: Congenital myopathy 10A, severe variant. Identifiers: Orphanet 439212, MedGen C3280679, MONDO:0013731, OMIM 614399.
Inborn genetic diseases. Identifiers: MedGen C0950123, MeSH D030342.

Allele frequency attached by ClinVar (database versions not stated): gnomAD exomes 0.00001; TOPMed 0.00003; gnomAD 0.00004; 1000 Genomes Project 30x 0.00016; 1000 Genomes Project 0.00020.
gnomAD v4.1: 19 of 1,612,466 alleles (0.0012%); highest among the groups gnomAD compares: Middle Eastern, 0.017%; no homozygotes.

Submissions (2):

Ambry Genetics
Classification: Likely benign for Inborn genetic diseases. Last evaluated: 2023-01-11. Review status: criteria provided, single submitter. Criteria: Ambry Variant Classification Scheme 2023. Collection method: clinical testing. Allele origin: germline.

Labcorp Genetics (formerly Invitae), Labcorp
Classification: Uncertain significance for MEGF10-related myopathy. Last evaluated: 2022-07-26. Review status: criteria provided, single submitter. Criteria: Invitae Variant Classification Sherloc (09022015). Collection method: clinical testing. Allele origin: germline.
Comment: This sequence change replaces glycine, which is neutral and non-polar, with arginine, which is basic and polar, at codon 102 of the MEGF10 protein (p.Gly102Arg). This variant is present in population databases (rs200703478, gnomAD 0.003%). This variant has not been reported in the literature in individuals affected with MEGF10-related conditions. ClinVar contains an entry for this variant (Variation ID: 843737). Algorithms developed to predict the effect of missense changes on protein structure and function output the following: SIFT: "Tolerated"; PolyPhen-2: "Benign"; Align-GVGD: "Class C0". The arginine amino acid residue is found in multiple mammalian species, which suggests that this missense change does not adversely affect protein function. Algorithms developed to predict the effect of sequence changes on RNA splicing suggest that this variant may create or strengthen a splice site. In summary, the available evidence is currently insufficient to determine the role of this variant in disease. Therefore, it has been classified as a Variant of Uncertain Significance.

NM_001256545.2(MEGF10):c.304G>A (p.Gly102Arg)

Gene: MEGF10 (multiple EGF like domains 10; plus strand). Cytogenetic location: 5q23.2.
Variant type: single nucleotide variant.
Coding change: c.304G>A on transcript NM_001256545.2 (MANE Select); coding-DNA position 304, G replaced by A.
Protein change: p.Gly102Arg; replaces glycine 102 with arginine.
Molecular consequence: missense variant.
Genome position (GRCh38, 1-based): chr5:127,340,615, G>A. VCF-style: chr5-127340615-G-A. GRCh37 (hg19) VCF-style: chr5-126676307-G-A.
Other names: c.304G>A, p.Gly102Arg (NM_001308119.2, NM_001308121.2, NM_032446.3); short protein forms G102R.
Identifiers: ClinVar variation 843737 (VCV000843737.9), dbSNP rs200703478, ClinGen allele CA127484628.
Genomic context (GRCh38, chr5:127,340,615, plus strand): 5'-CATGGGGAGAAGACTATGTATAGGCGCAAGTCTCAGTGTTGTCCTGGATTTTATGAAAGC[G>A]GGGAAATGTGTGTCCGTAAGTAAGACTGTCACCCCTTTGAGATTCGCTAGTTTTTCCCAG-3'
Protein context (NP_001243474.1, residues 92-112): SQCCPGFYES[Gly102Arg]EMCVPHCADK